The following is an entry in ClinVar:

ClinVar aggregate classification (germline): Conflicting classifications of pathogenicity. Review status: criteria provided, conflicting classifications (1 of 4 stars). 9 submissions from 9 submitters: Uncertain significance (1); Likely benign (7). 1 of the submissions does not count toward it. Last evaluated 2026-02-01.

Conditions:
PRKAG2-related disorder. Also called: PRKAG2-related condition; PRKAG2-related disorders.
Cardiovascular phenotype. Identifiers: MedGen CN230736.
Cardiomyopathy (CMYO). Also called: Cardiomyopathies. Identifiers: Orphanet 167848, MedGen C0878544, MONDO:0004994, HP:0001638. Inheritance: Various modes of inheritance.
Lethal congenital glycogen storage disease of heart. Also called: GLYCOGEN STORAGE DISEASE OF HEART; PHOSPHORYLASE KINASE DEFICIENCY OF HEART. Identifiers: Orphanet 439854, MedGen C1849813, MONDO:0009867, OMIM 261740.

Allele frequency attached by ClinVar (database versions not stated): gnomAD exomes 0.00005 and 0.00014; 1000 Genomes Project 30x 0.00016; ExAC 0.00018; 1000 Genomes Project 0.00020; ESP Exome Variant Server 0.00038; gnomAD 0.00049 and 0.00051; TOPMed 0.00066.
gnomAD v4.1: 155 of 1,611,996 alleles (0.0096%); highest among the groups gnomAD compares: African/African-American, 0.17%; no homozygotes.

Submissions (9):

Labcorp Genetics (formerly Invitae), Labcorp
Classification: Likely benign for Lethal congenital glycogen storage disease of heart. Last evaluated: 2026-02-01. Review status: criteria provided, single submitter. Criteria: Invitae Variant Classification Sherloc (09022015). Collection method: clinical testing. Allele origin: germline.

ARUP Laboratories, Molecular Genetics and Genomics, ARUP Laboratories
Classification: Likely benign. Last evaluated: 2021-11-09. Review status: criteria provided, single submitter. Criteria: ARUP Molecular Germline Variant Investigation Process 2021. Collection method: clinical testing. Allele origin: germline.

Women's Health and Genetics/Laboratory Corporation of America, LabCorp
Classification: Likely benign. Last evaluated: 2019-11-11. Review status: criteria provided, single submitter. Criteria: LabCorp Variant Classification Summary - May 2015. Collection method: clinical testing. Allele origin: germline.
Comment: Variant summary: PRKAG2 c.1318C>T (p.His440Tyr) results in a conservative amino acid change located in the CBS domain (IPR000644) of the encoded protein sequence. Four of five in-silico tools predict a benign effect of the variant on protein function. The variant allele was found at a frequency of 0.00018 in 282880 control chromosomes, predominantly at a frequency of 0.0017 within the African or African-American subpopulation in the gnomAD database. The observed variant frequency within African or African-American control individuals in the gnomAD database is approximately 68 fold the estimated maximal expected allele frequency for a pathogenic variant in PRKAG2 causing Cardiomyopathy phenotype (2.5e-05), strongly suggesting that the variant is a benign polymorphism found primarily in populations of African or African-American origin. c.1318C>T has been reported in the literature in an individual affected with dilated Cardiomyopathy (Pugh_2014). This report however, does not provide unequivocal conclusions about association of the variant with Cardiomyopathy. To our knowledge, no experimental evidence demonstrating an impact on protein function has been reported. Four ClinVar submitters (evaluation after 2014) cite the variant as likely benign (n=3) or uncertain significance (n=1). Based on the evidence outlined above, the variant was classified as likely benign.

Ambry Genetics
Classification: Likely benign for Cardiovascular phenotype. Last evaluated: 2019-03-13. Review status: criteria provided, single submitter. Criteria: Ambry Variant Classification Scheme 2023. Collection method: clinical testing. Allele origin: germline.

Color Diagnostics, LLC DBA Color Health
Classification: Likely benign for Cardiomyopathy. Last evaluated: 2018-12-06. Review status: criteria provided, single submitter. Criteria: ACMG Guidelines, 2015. Collection method: clinical testing. Allele origin: germline.

GeneDx
Classification: Likely benign. Last evaluated: 2017-12-15. Review status: criteria provided, single submitter. Criteria: GeneDx Variant Classification (06012015). Collection method: clinical testing. Allele origin: germline. Affected: yes.
Comment: This variant is considered likely benign or benign based on one or more of the following criteria: it is a conservative change, it occurs at a poorly conserved position in the protein, it is predicted to be benign by multiple in silico algorithms, and/or has population frequency not consistent with disease.

Laboratory for Molecular Medicine, Mass General Brigham Personalized Medicine
Classification: Likely benign. Last evaluated: 2015-05-20. Review status: criteria provided, single submitter. Criteria: LMM Criteria. Collection method: clinical testing. Allele origin: germline. Observed: 4 variant alleles.
Comment: p.His440Tyr in exon 12 of PRKAG2: This variant is not expected to have clinical significance due to its frequency in the general population and lack of evolutio nary conservation of the affected amino acid. It has been identified in 0.2% (20 /10406) of African chromosomes by the Exome Aggregation Consortium (ExAC; dbSNP rs201878539) and 3 mammals (guinea pig, rabbit, and aardvark) have a tyrosine (Tyr) at this position despite high nearby amino a cid conservation, suggesting that this change may be tolerated.

Eurofins Ntd Llc (ga)
Classification: Uncertain significance. Last evaluated: 2014-12-29. Review status: criteria provided, single submitter. Criteria: EGL Classification Definitions 2015. Collection method: clinical testing. Allele origin: germline. Observed: 1 variant allele, 1 heterozygote.

PreventionGenetics, part of Exact Sciences
Classification: Likely benign for PRKAG2-related condition. Last evaluated: 2022-01-27. Review status: no assertion criteria provided. Collection method: clinical testing. Allele origin: germline. Not counted in ClinVar's aggregate classification.
Comment: This variant is classified as likely benign based on ACMG/AMP sequence variant interpretation guidelines (Richards et al. 2015 PMID: 25741868, with internal and published modifications).

Literature cited by the submitters: PubMed 24503780 (cited by Women's Health and Genetics/Laboratory Corporation of America, LabCorp and Ambry Genetics).

NM_016203.4(PRKAG2):c.1318C>T (p.His440Tyr)

Gene: PRKAG2 (protein kinase AMP-activated non-catalytic subunit gamma 2; minus strand). Cytogenetic location: 7q36.1.
Variant type: single nucleotide variant.
Coding change: c.1318C>T on transcript NM_016203.4 (MANE Select); coding-DNA position 1318, C replaced by T.
Protein change: p.His440Tyr; replaces histidine 440 with tyrosine.
Molecular consequence: missense variant.
Genome position (GRCh38, 1-based): chr7:151,565,801, G>A on the plus strand (C>T on the coding strand, the complement: PRKAG2 is on the minus strand). VCF-style: chr7-151565801-G-A. GRCh37 (hg19) VCF-style: chr7-151262887-G-A.
Other names: p.H440Y:CAT>TAT; c.1186C>T, p.His396Tyr (NM_001040633.2); c.943C>T, p.His315Tyr (NM_001304527.2); c.595C>T, p.His199Tyr (NM_001304531.2, NM_024429.2); c.946C>T, p.His316Tyr (NM_001363698.2); short protein forms H440Y, H315Y, H199Y, H396Y, H316Y.
Identifiers: ClinVar variation 45696 (VCV000045696.35), dbSNP rs201878539, ClinGen allele CA013743.